The following is an entry in ClinVar:

NM_080680.3(COL11A2):c.2620G>T (p.Gly874Ter)

Gene: COL11A2 (collagen type XI alpha 2 chain; minus strand). Cytogenetic location: 6p21.32.
Variant type: single nucleotide variant.
Coding change: c.2620G>T on transcript NM_080680.3 (MANE Select); coding-DNA position 2620, G replaced by T.
Protein change: p.Gly874Ter; replaces glycine 874 with a stop codon.
Molecular consequence: nonsense.
Genome position (GRCh38, 1-based): chr6:33,173,709, C>A on the plus strand (G>T on the coding strand, the complement: COL11A2 is on the minus strand). VCF-style: chr6-33173709-C-A. GRCh37 (hg19) VCF-style: chr6-33141486-C-A.
Other names: c.2440G>T, p.Gly814Ter (NM_001424108.1); c.1774G>T, p.Gly592Ter (NM_001424109.1); c.1594G>T, p.Gly532Ter (NM_001424110.1, NM_001424111.1); c.574G>T, p.Gly192Ter (NM_001424112.1); c.2299G>T, p.Gly767Ter (NM_080679.3); c.2362G>T, p.Gly788Ter (NM_080681.3); short protein forms G192*, G874*, G592*, G767*, G814*, G532*, G788*.
Identifiers: ClinVar variation 3722780 (VCV003722780.2).

ClinVar aggregate classification (germline): Pathogenic (1 of 4 stars; one submission).

Submission:

Labcorp Genetics (formerly Invitae), Labcorp
Classification: Pathogenic. Last evaluated: 2024-10-14. Review status: criteria provided, single submitter. Criteria: Invitae Variant Classification Sherloc (09022015). Collection method: clinical testing. Allele origin: germline.
Comment: This sequence change creates a premature translational stop signal (p.Gly874*) in the COL11A2 gene. It is expected to result in an absent or disrupted protein product. Loss-of-function variants in COL11A2 are known to be pathogenic (PMID: 10677296, 21204229). This variant is not present in population databases (gnomAD no frequency). This variant has not been reported in the literature in individuals affected with COL11A2-related conditions. For these reasons, this variant has been classified as Pathogenic.

Literature cited by the submitters: PubMed 10677296; PubMed 21204229.